The following is an entry in ClinVar:

ClinVar aggregate classification (germline): Uncertain significance (1 of 4 stars; one submission).

gnomAD v4.1: 4 of 1,600,476 alleles (0.00025%); highest among the groups gnomAD compares: Non-Finnish European, 0.00034%; no homozygotes.

Submission:

Mayo Clinic Laboratories, Mayo Clinic
Classification: Uncertain significance. Last evaluated: 2025-12-05. Review status: criteria provided, single submitter. Criteria: ACMG Guidelines, 2015. Collection method: clinical testing. Allele origin: germline. Observed: 1 variant allele.
Comment: BP4_moderate

NM_207111.4(RNF216):c.2764C>T (p.Arg922Cys)

Gene: RNF216 (ring finger protein 216; minus strand). Cytogenetic location: 7p22.1.
Variant type: single nucleotide variant.
Coding change: c.2764C>T on transcript NM_207111.4 (MANE Select); coding-DNA position 2764, C replaced by T.
Protein change: p.Arg922Cys; replaces arginine 922 with cysteine.
Molecular consequence: missense variant.
Genome position (GRCh38, 1-based): chr7:5,622,868, G>A on the plus strand (C>T on the coding strand, the complement: RNF216 is on the minus strand). VCF-style: chr7-5622868-G-A. GRCh37 (hg19) VCF-style: chr7-5662499-G-A.
Other names: p.Arg922Cys; c.2593C>T, p.Arg865Cys (NM_001377156.1, NM_207116.3); short protein forms R922C, R865C.
Identifiers: ClinVar variation 4541263 (VCV004541263.1).